The following is an entry in ClinVar:

ClinVar aggregate classification (germline): Uncertain significance. Review status: criteria provided, multiple submitters, no conflicts (2 of 4 stars). 2 submissions from 2 submitters: Uncertain significance (2). Last evaluated 2021-04-27.

Conditions:
Hereditary cancer-predisposing syndrome. Also called: Neoplastic Syndromes, Hereditary; Tumor predisposition; Hereditary Cancer Syndrome; Hereditary neoplastic syndrome. Identifiers: Orphanet 140162, MedGen C0027672, MeSH D009386, MONDO:0015356.

Submissions (2):

Labcorp Genetics (formerly Invitae), Labcorp
Classification: Uncertain significance for Hereditary cancer-predisposing syndrome. Last evaluated: 2021-04-27. Review status: criteria provided, single submitter. Criteria: Invitae Variant Classification Sherloc (09022015). Collection method: clinical testing. Allele origin: germline.
Comment: In summary, the available evidence is currently insufficient to determine the role of this variant in disease. Therefore, it has been classified as a Variant of Uncertain Significance. This sequence change replaces isoleucine with valine at codon 482 of the RAD50 protein (p.Ile482Val). The isoleucine residue is weakly conserved and there is a small physicochemical difference between isoleucine and valine. This variant is not present in population databases (ExAC no frequency). This variant has not been reported in the literature in individuals with RAD50-related conditions. ClinVar contains an entry for this variant (Variation ID: 232782). Algorithms developed to predict the effect of missense changes on protein structure and function (SIFT, PolyPhen-2, Align-GVGD) all suggest that this variant is likely to be tolerated, but these predictions have not been confirmed by published functional studies and their clinical significance is uncertain.

Ambry Genetics
Classification: Uncertain significance for Hereditary cancer-predisposing syndrome. Last evaluated: 2015-07-01. Review status: criteria provided, single submitter. Criteria: Ambry Variant Classification Scheme 2023. Collection method: clinical testing. Allele origin: germline.
Comment: The p.I482V variant (also known as c.1444A>G), located in coding exon 9 of the RAD50 gene, results from an A to G substitution at nucleotide position 1444. The isoleucine at codon 482 is replaced by valine, an amino acid with highly similar properties. This variant was not reported in population based cohorts in the following databases: Database of Single Nucleotide Polymorphisms (dbSNP), NHLBI Exome Sequencing Project (ESP), and 1000 Genomes Project. In the ESP, this variant was not observed in 6502 samples (13004 alleles) with coverage at this position. To date, this alteration has been detected with an allele frequency of approximately 0.002% (greater than 65000 alleles tested) in our clinical cohort. This amino acid position is poorly conserved in available vertebrate species. In addition, this alteration is predicted to be tolerated by in silico analysis. Since supporting evidence is limited at this time, the clinical significance of p.I482V remains unclear.

NM_005732.4(RAD50):c.1444A>G (p.Ile482Val)

Gene: RAD50 (RAD50 double strand break repair protein; plus strand). Cytogenetic location: 5q31.1.
Variant type: single nucleotide variant.
Coding change: c.1444A>G on transcript NM_005732.4 (MANE Select); coding-DNA position 1444, A replaced by G.
Protein change: p.Ile482Val; replaces isoleucine 482 with valine.
Molecular consequence: missense variant.
Genome position (GRCh38, 1-based): chr5:132,589,829, A>G. VCF-style: chr5-132589829-A-G. GRCh37 (hg19) VCF-style: chr5-131925521-A-G.
Other names: short protein forms I482V.
Identifiers: ClinVar variation 232782 (VCV000232782.13), dbSNP rs876659986, ClinGen allele CA10578529.